The following is an entry in ClinVar:

ClinVar aggregate classification (germline): Uncertain significance (1 of 4 stars; one submission).

Conditions:
Combined oxidative phosphorylation defect type 27. Also called: Combined oxidative phosphorylation deficiency 27. Identifiers: Orphanet 477774, MedGen C5567608, MONDO:0014728, OMIM 616672.

Submission:

Labcorp Genetics (formerly Invitae), Labcorp
Classification: Uncertain significance for Combined oxidative phosphorylation defect type 27. Last evaluated: 2022-04-08. Review status: criteria provided, single submitter. Criteria: Invitae Variant Classification Sherloc (09022015). Collection method: clinical testing. Allele origin: germline.
Comment: In summary, the available evidence is currently insufficient to determine the role of this variant in disease. Therefore, it has been classified as a Variant of Uncertain Significance. Algorithms developed to predict the effect of missense changes on protein structure and function (SIFT, PolyPhen-2, Align-GVGD) all suggest that this variant is likely to be tolerated. This variant has not been reported in the literature in individuals affected with CARS2-related conditions. This variant is not present in population databases (gnomAD no frequency). This sequence change replaces valine, which is neutral and non-polar, with leucine, which is neutral and non-polar, at codon 54 of the CARS2 protein (p.Val54Leu).

NM_024537.4(CARS2):c.160G>T (p.Val54Leu)

Genes: CARS2 (cysteinyl-tRNA synthetase 2, mitochondrial; minus strand), LOC130010127 (ATAC-STARR-seq lymphoblastoid silent region 5509; plus strand). Cytogenetic location: 13q34.
Variant type: single nucleotide variant.
Coding change: c.160G>T on transcript NM_024537.4 (MANE Select); coding-DNA position 160, G replaced by T.
Protein change: p.Val54Leu; replaces valine 54 with leucine.
Molecular consequence: missense variant. On other transcripts: non-coding transcript variant (1), intron variant (1).
Genome position (GRCh38, 1-based): chr13:110,705,934, C>A on the plus strand (G>T on the coding strand, the complement: CARS2 is on the minus strand). VCF-style: chr13-110705934-C-A. GRCh37 (hg19) VCF-style: chr13-111358281-C-A.
Other names: c.160G>T, p.Val54Leu (NM_001352253.3); c.-775-363G>T (NM_001352252.2); short protein forms V54L.
Identifiers: ClinVar variation 2123011 (VCV002123011.4), dbSNP rs995604231, ClinGen allele CA256331038.